The following is an entry in ClinVar:

ClinVar aggregate classification (germline): Likely benign. Review status: criteria provided, single submitter (1 of 4 stars). 2 submissions from 2 submitters: Likely benign (1). 1 of the submissions does not count toward it. Last evaluated 2025-09-30.

Conditions:
Joubert syndrome 23 (JBTS23). Identifiers: Orphanet 475, MedGen C4084822, MONDO:0014664, OMIM 616490.
Short-rib thoracic dysplasia 14 with polydactyly (SRTD14). Identifiers: Orphanet 397715, MedGen C4225286, MONDO:0014688, OMIM 616546.
KIAA0586-related disorder. Also called: KIAA0586- Related disorders; KIAA0586-related condition.

Allele frequency attached by ClinVar (database versions not stated): gnomAD 0.00001; gnomAD exomes 0.00002; TOPMed 0.00002.
gnomAD v4.1: 12 of 1,604,158 alleles (0.00075%); highest among the groups gnomAD compares: Non-Finnish European, 0.00094%; no homozygotes.

Submissions (2):

Labcorp Genetics (formerly Invitae), Labcorp
Classification: Likely benign for Joubert syndrome 23; Short-rib thoracic dysplasia 14 with polydactyly. Last evaluated: 2025-09-30. Review status: criteria provided, single submitter. Criteria: Invitae Variant Classification Sherloc (09022015). Collection method: clinical testing. Allele origin: germline.

PreventionGenetics, part of Exact Sciences
Classification: Likely benign for KIAA0586-related condition. Last evaluated: 2020-01-22. Review status: no assertion criteria provided. Collection method: clinical testing. Allele origin: germline. Not counted in ClinVar's aggregate classification.
Comment: This variant is classified as likely benign based on ACMG/AMP sequence variant interpretation guidelines (Richards et al. 2015 PMID: 25741868, with internal and published modifications).

NM_001329943.3(KIAA0586):c.-31T>G

Gene: KIAA0586 (KIAA0586; plus strand). Cytogenetic location: 14q23.1.
Variant type: single nucleotide variant.
Coding change: c.-31T>G on transcript NM_001329943.3 (MANE Select); 31 bases upstream of the start codon, T replaced by G.
Molecular consequence: 5 prime UTR variant. On other transcripts: intron variant (7).
Genome position (GRCh38, 1-based): chr14:58,428,234, T>G. VCF-style: chr14-58428234-T-G. GRCh37 (hg19) VCF-style: chr14-58894952-T-G.
Other names: c.-31T>G (NM_001329944.2, NM_001329946.2, NM_001329947.2 and 1 more transcripts); c.10-4T>G (NM_001244189.2, NM_001244189.1); c.-38-38T>G (NM_001244190.2); c.-57+597T>G (NM_001244192.2, NM_001244191.2); c.-57+421T>G (NM_001364701.2, NM_001329945.2, NM_001364700.1).
Identifiers: ClinVar variation 2103942 (VCV002103942.6), dbSNP rs1263349836, ClinGen allele CA486664622.